The following is an entry in ClinVar:

NM_015512.5(DNAH1):c.4375A>C (p.Arg1459=)

Gene: DNAH1 (dynein axonemal heavy chain 1; plus strand). Cytogenetic location: 3p21.1.
Variant type: single nucleotide variant.
Coding change: c.4375A>C on transcript NM_015512.5 (MANE Select); coding-DNA position 4375, A replaced by C.
Protein change: p.Arg1459=; no amino-acid change (arginine 1459 retained).
Molecular consequence: synonymous variant.
Genome position (GRCh38, 1-based): chr3:52,359,354, A>C. VCF-style: chr3-52359354-A-C. GRCh37 (hg19) VCF-style: chr3-52393370-A-C.
Identifiers: ClinVar variation 1620533 (VCV001620533.33), dbSNP rs376104739, ClinGen allele CA2433882.

ClinVar aggregate classification (germline): Likely benign. Review status: criteria provided, multiple submitters, no conflicts (2 of 4 stars). 3 submissions from 3 submitters: Likely benign (3). Last evaluated 2025-01-01.

Conditions:
Spermatogenic failure 18. Identifiers: MedGen C4539783, MONDO:0054615, OMIM 617576.
Ciliary dyskinesia, primary, 37 (CILD37). Also called: CILIARY DYSKINESIA, PRIMARY, 37, WITH OR WITHOUT SITUS INVERSUS. Identifiers: MedGen C4539798, MONDO:0033204, OMIM 617577.

Allele frequency attached by ClinVar (database versions not stated): gnomAD 0.00003 and 0.00004; gnomAD exomes 0.00005 and 0.00006; TOPMed 0.00005; ExAC 0.00007; ESP Exome Variant Server 0.00008.
gnomAD v4.1: 72 of 1,571,452 alleles (0.0046%); highest among the groups gnomAD compares: Non-Finnish European, 0.006%; no homozygotes.

Submissions (3):

Labcorp Genetics (formerly Invitae), Labcorp
Classification: Likely benign for Ciliary dyskinesia, primary, 37; Spermatogenic failure 18. Last evaluated: 2025-01-01. Review status: criteria provided, single submitter. Criteria: Invitae Variant Classification Sherloc (09022015). Collection method: clinical testing. Allele origin: germline.

Blueprint Genetics
Classification: Likely benign. Last evaluated: 2024-11-15. Review status: criteria provided, single submitter. Criteria: ACMG Guidelines, 2015. Collection method: clinical testing. Allele origin: germline.

CeGaT Center for Human Genetics Tuebingen
Classification: Likely benign. Last evaluated: 2022-06-01. Review status: criteria provided, single submitter. Criteria: CeGaT Center For Human Genetics Tuebingen Variant Classification Criteria Version 2. Collection method: clinical testing. Allele origin: germline. Affected: yes. Observed: 1 variant allele.
Comment: DNAH1: BP4, BP7